The following is an entry in ClinVar:

ClinVar aggregate classification (germline): Uncertain significance. Review status: criteria provided, multiple submitters, no conflicts (2 of 4 stars). 2 submissions from 2 submitters: Uncertain significance (2). Last evaluated 2025-03-27.

Conditions:
Inborn genetic diseases. Identifiers: MedGen C0950123, MeSH D030342.

Allele frequency attached by ClinVar (database versions not stated): gnomAD 0.00001; TOPMed 0.00001.
gnomAD v4.1: 15 of 1,613,956 alleles (0.00093%); highest among the groups gnomAD compares: African/African-American, 0.0013%; no homozygotes.

Submissions (2):

Ambry Genetics
Classification: Uncertain significance for Inborn genetic diseases. Last evaluated: 2025-03-27. Review status: criteria provided, single submitter. Criteria: Ambry Variant Classification Scheme 2023. Collection method: clinical testing. Allele origin: germline.

Labcorp Genetics (formerly Invitae), Labcorp
Classification: Uncertain significance. Last evaluated: 2022-04-11. Review status: criteria provided, single submitter. Criteria: Invitae Variant Classification Sherloc (09022015). Collection method: clinical testing. Allele origin: germline.
Comment: This sequence change replaces arginine, which is basic and polar, with serine, which is neutral and polar, at codon 1691 of the COL27A1 protein (p.Arg1691Ser). This variant is present in population databases (no rsID available, gnomAD 0.002%). This variant has not been reported in the literature in individuals affected with COL27A1-related conditions. Advanced modeling of protein sequence and biophysical properties (such as structural, functional, and spatial information, amino acid conservation, physicochemical variation, residue mobility, and thermodynamic stability) performed at Invitae indicates that this missense variant is not expected to disrupt COL27A1 protein function. In summary, the available evidence is currently insufficient to determine the role of this variant in disease. Therefore, it has been classified as a Variant of Uncertain Significance.

NM_032888.4(COL27A1):c.5073G>T (p.Arg1691Ser)

Gene: COL27A1 (collagen type XXVII alpha 1 chain; plus strand). Cytogenetic location: 9q32.
Variant type: single nucleotide variant.
Coding change: c.5073G>T on transcript NM_032888.4 (MANE Select); coding-DNA position 5073, G replaced by T.
Protein change: p.Arg1691Ser; replaces arginine 1691 with serine.
Molecular consequence: missense variant.
Genome position (GRCh38, 1-based): chr9:114,306,654, G>T. VCF-style: chr9-114306654-G-T. GRCh37 (hg19) VCF-style: chr9-117068934-G-T.
Other names: c.5073G>T (NM_032888.2); short protein forms R1691S.
Identifiers: ClinVar variation 2198252 (VCV002198252.3), dbSNP rs778232133, ClinGen allele CA374595862.